The following is an entry in ClinVar:

NM_004006.3(DMD):c.3119G>T (p.Cys1040Phe)

Gene: DMD (dystrophin; minus strand). Cytogenetic location: Xp21.1.
Variant type: single nucleotide variant.
Coding change: c.3119G>T on transcript NM_004006.3 (MANE Select); coding-DNA position 3119, G replaced by T.
Protein change: p.Cys1040Phe; replaces cysteine 1040 with phenylalanine.
Molecular consequence: missense variant.
Genome position (GRCh38, 1-based): chrX:32,468,541, C>A on the plus strand (G>T on the coding strand, the complement: DMD is on the minus strand). VCF-style: chrX-32468541-C-A. GRCh37 (hg19) VCF-style: chrX-32486658-C-A.
Other names: c.3095G>T, p.Cys1032Phe (NM_000109.4); c.3107G>T, p.Cys1036Phe (NM_004009.3); c.2750G>T, p.Cys917Phe (NM_004010.3); short protein forms C1032F, C1036F, C917F, C1040F.
Identifiers: ClinVar variation 664600 (VCV000664600.8), dbSNP rs1603634202, ClinGen allele CA412666827.

ClinVar aggregate classification (germline): Uncertain significance. Review status: criteria provided, multiple submitters, no conflicts (2 of 4 stars). 3 submissions from 3 submitters: Uncertain significance (2). 1 of the submissions does not count toward it. Last evaluated 2026-02-19.

Conditions:
Cardiovascular phenotype. Identifiers: MedGen CN230736.
Duchenne muscular dystrophy (DMD). Also called: MUSCULAR DYSTROPHY, PSEUDOHYPERTROPHIC PROGRESSIVE, DUCHENNE TYPE; Duchenne Muscular Dystrophy (DMD). Identifiers: Orphanet 98896, MedGen C0013264, MONDO:0010679, OMIM 310200.
Dystrophin deficiency.
Becker muscular dystrophy (BMD). Also called: MUSCULAR DYSTROPHY, PSEUDOHYPERTROPHIC PROGRESSIVE, BECKER TYPE; Becker Muscular Dystrophy (BMD). Identifiers: Orphanet 98895, MedGen C0917713, MONDO:0010311, OMIM 300376.
Cardiomyopathy (CMYO). Also called: Cardiomyopathies. Identifiers: Orphanet 167848, MedGen C0878544, MONDO:0004994, HP:0001638. Inheritance: Various modes of inheritance.

Allele frequency attached by ClinVar (database versions not stated): gnomAD 0.00001.
gnomAD v4.1: 1 of 1,208,026 alleles (0.000083%); highest among the groups gnomAD compares: Admixed American, 0.0022%; no homozygotes.

Submissions (3):

Ambry Genetics
Classification: Uncertain significance for Cardiovascular phenotype. Last evaluated: 2026-02-19. Review status: criteria provided, single submitter. Criteria: Ambry Variant Classification Scheme 2023. Collection method: clinical testing. Allele origin: germline.
Comment: The p.C1040F variant (also known as c.3119G>T), located in coding exon 23 of the DMD gene, results from a G to T substitution at nucleotide position 3119. The cysteine at codon 1040 is replaced by phenylalanine, an amino acid with highly dissimilar properties. This amino acid position is conserved. In addition, this alteration is predicted to be tolerated by in silico analysis. Based on the available evidence, the clinical significance of this variant remains unclear.

Labcorp Genetics (formerly Invitae), Labcorp
Classification: Uncertain significance for Duchenne muscular dystrophy. Last evaluated: 2022-07-05. Review status: criteria provided, single submitter. Criteria: Invitae Variant Classification Sherloc (09022015). Collection method: clinical testing. Allele origin: germline.
Comment: This sequence change replaces cysteine, which is neutral and slightly polar, with phenylalanine, which is neutral and non-polar, at codon 1040 of the DMD protein (p.Cys1040Phe). This variant is not present in population databases (gnomAD no frequency). This variant has not been reported in the literature in individuals affected with DMD-related conditions. ClinVar contains an entry for this variant (Variation ID: 664600). Algorithms developed to predict the effect of missense changes on protein structure and function are either unavailable or do not agree on the potential impact of this missense change (SIFT: "Deleterious"; PolyPhen-2: "Benign"; Align-GVGD: "Class C0"). In summary, the available evidence is currently insufficient to determine the role of this variant in disease. Therefore, it has been classified as a Variant of Uncertain Significance.

Natera, Inc.
Classification: Uncertain significance for Becker muscular dystrophy; Cardiomyopathy; Duchenne muscular dystrophy; Dystrophin deficiency. Last evaluated: 2018-06-16. Review status: no assertion criteria provided. Collection method: clinical testing. Allele origin: germline. Not counted in ClinVar's aggregate classification.